The following is an entry in ClinVar:

NM_006073.4(TRDN):c.2108A>G (p.Gln703Arg)

Gene: TRDN (triadin; minus strand). Cytogenetic location: 6q22.31.
Variant type: single nucleotide variant.
Coding change: c.2108A>G on transcript NM_006073.4 (MANE Select); coding-DNA position 2108, A replaced by G.
Protein change: p.Gln703Arg; replaces glutamine 703 with arginine.
Molecular consequence: missense variant.
Genome position (GRCh38, 1-based): chr6:123,218,683, T>C on the plus strand (A>G on the coding strand, the complement: TRDN is on the minus strand). VCF-style: chr6-123218683-T-C. GRCh37 (hg19) VCF-style: chr6-123539828-T-C.
Other names: short protein forms Q703R.
Identifiers: ClinVar variation 1016457 (VCV001016457.10), dbSNP rs1390830578, ClinGen allele CA365564585.
Genomic context (GRCh38, chr6:123,218,683, plus strand): 5'-CCTGGAGAATTTGCTTGACCAGAGCTCTCTCCAGGGCGGTCTGCAGGAGTGAAAGGAAAC[T>C]GAAATCCATAGCCATTGTACCCATCCAAGTAGACACACTGGAAGAAACTGATGGGACCTA-3'
Protein context (NP_006064.2, residues 693-713): YLDGYNGYGF[Gln703Arg]FPFTPADRPG

ClinVar aggregate classification (germline): Uncertain significance (1 of 4 stars; one submission).

Conditions:
Catecholaminergic polymorphic ventricular tachycardia 1. Also called: VENTRICULAR TACHYCARDIA, STRESS-INDUCED POLYMORPHIC 1; VENTRICULAR TACHYCARDIA, CATECHOLAMINERGIC POLYMORPHIC, 1, WITH OR WITHOUT ATRIAL DYSFUNCTION AND/OR DILATED CARDIOMYOPATHY; RYR2-Related Catecholaminergic Polymorphic Ventricular Tachycardia. Identifiers: Orphanet 3286, MedGen C1631597, MONDO:0011484, OMIM 604772.

Submission:

Labcorp Genetics (formerly Invitae), Labcorp
Classification: Uncertain significance for Catecholaminergic polymorphic ventricular tachycardia 1. Last evaluated: 2024-02-24. Review status: criteria provided, single submitter. Criteria: Invitae Variant Classification Sherloc (09022015). Collection method: clinical testing. Allele origin: germline.
Comment: This sequence change replaces glutamine, which is neutral and polar, with arginine, which is basic and polar, at codon 703 of the TRDN protein (p.Gln703Arg). This variant is not present in population databases (gnomAD no frequency). This variant has not been reported in the literature in individuals affected with TRDN-related conditions. ClinVar contains an entry for this variant (Variation ID: 1016457). An algorithm developed to predict the effect of missense changes on protein structure and function (PolyPhen-2) suggests that this variant is likely to be disruptive. In summary, the available evidence is currently insufficient to determine the role of this variant in disease. Therefore, it has been classified as a Variant of Uncertain Significance.